The following is an entry in ClinVar:

ClinVar aggregate classification (germline): Uncertain significance (1 of 4 stars; one submission).

Submission:

GeneDx
Classification: Uncertain significance. Last evaluated: 2022-05-19. Review status: criteria provided, single submitter. Criteria: GeneDx Variant Classification Process June 2021. Collection method: clinical testing. Allele origin: germline. Affected: yes.
Comment: Not observed at significant frequency in large population cohorts (gnomAD); Canonical splice site variant with an unclear effect on protein function; Has not been previously published as pathogenic or benign to our knowledge; Variants in candidate genes are classified as variants of uncertain significance in accordance with ACMG guidelines (Richards et al., 2015)

NM_018008.4(FEZF2):c.853-2A>T

Gene: FEZF2 (FEZ family zinc finger 2; minus strand). Cytogenetic location: 3p14.2.
Variant type: single nucleotide variant.
Coding change: c.853-2A>T on transcript NM_018008.4 (MANE Select); the canonical splice acceptor site of the intron before coding-DNA position 853, A replaced by T.
Molecular consequence: splice acceptor variant.
Genome position (GRCh38, 1-based): chr3:62,371,669, T>A on the plus strand (A>T on the coding strand, the complement: FEZF2 is on the minus strand). VCF-style: chr3-62371669-T-A. GRCh37 (hg19) VCF-style: chr3-62357344-T-A.
Identifiers: ClinVar variation 3342524 (VCV003342524.1).